The following is an entry in ClinVar:

NM_001370259.2(MEN1):c.1447C>T (p.Pro483Ser)

Gene: MEN1 (menin 1; minus strand). Cytogenetic location: 11q13.1.
Variant type: single nucleotide variant.
Coding change: c.1447C>T on transcript NM_001370259.2 (MANE Select); coding-DNA position 1447, C replaced by T.
Protein change: p.Pro483Ser; replaces proline 483 with serine.
Molecular consequence: missense variant.
Genome position (GRCh38, 1-based): chr11:64,804,720, G>A on the plus strand (C>T on the coding strand, the complement: MEN1 is on the minus strand). VCF-style: chr11-64804720-G-A. GRCh37 (hg19) VCF-style: chr11-64572192-G-A.
Other names: c.1462C>T, p.Pro488Ser (NM_000244.4, NM_130800.3, NM_130801.3 and 3 more transcripts); c.1573C>T, p.Pro525Ser (NM_001370251.2); c.1447C>T, p.Pro483Ser (NM_001370260.2, NM_001370261.2, NM_130799.3); c.1342C>T, p.Pro448Ser (NM_001370262.2, NM_001370263.2); short protein forms P448S, P483S, P488S, P525S.
Identifiers: ClinVar variation 1017708 (VCV001017708.8), dbSNP rs1565638021, ClinGen allele CA381179267.

ClinVar aggregate classification (germline): Uncertain significance (1 of 4 stars; one submission).

Conditions:
Multiple endocrine neoplasia, type 1 (MEN1). Also called: MEN I; WERMER SYNDROME; Endocrine adenomatosis multiple; MEN 1; MEA I. Identifiers: Orphanet 652, MedGen C0025267, MeSH D018761, MONDO:0007540, OMIM 131100.

Allele frequency attached by ClinVar (database versions not stated): gnomAD 0.00001.

Submission:

Labcorp Genetics (formerly Invitae), Labcorp
Classification: Uncertain significance for Multiple endocrine neoplasia, type 1. Last evaluated: 2020-08-27. Review status: criteria provided, single submitter. Criteria: Invitae Variant Classification Sherloc (09022015). Collection method: clinical testing. Allele origin: germline.
Comment: This variant has not been reported in the literature in individuals with MEN1-related conditions. In summary, the available evidence is currently insufficient to determine the role of this variant in disease. Therefore, it has been classified as a Variant of Uncertain Significance. Advanced modeling of protein sequence and biophysical properties (such as structural, functional, and spatial information, amino acid conservation, physicochemical variation, residue mobility, and thermodynamic stability) performed at Invitae indicates that this missense variant is expected to disrupt MEN1 protein function. This variant is not present in population databases (ExAC no frequency). This sequence change replaces proline with serine at codon 483 of the MEN1 protein (p.Pro483Ser). The proline residue is highly conserved and there is a moderate physicochemical difference between proline and serine.